The following is an entry in ClinVar:

ClinVar aggregate classification (germline): Uncertain significance. Review status: criteria provided, multiple submitters, no conflicts (2 of 4 stars). 2 submissions from 2 submitters: Uncertain significance (2). Last evaluated 2025-03-07.

gnomAD v4.1: 5 of 1,614,022 alleles (0.00031%); highest among the groups gnomAD compares: Non-Finnish European, 0.00042%; no homozygotes.

Submissions (2):

Ambry Genetics
Classification: Uncertain significance. Last evaluated: 2025-03-07. Review status: criteria provided, single submitter. Criteria: Ambry Variant Classification Scheme 2023. Collection method: clinical testing. Allele origin: germline.
Comment: The p.G588A variant (also known as c.1763G>C), located in coding exon 18 of the SRP72 gene, results from a G to C substitution at nucleotide position 1763. The glycine at codon 588 is replaced by alanine, an amino acid with similar properties. This amino acid position is conserved. In addition, the in silico prediction for this alteration is inconclusive. Based on the available evidence, the clinical significance of this variant remains unclear.

GeneDx
Classification: Uncertain significance. Last evaluated: 2024-12-13. Review status: criteria provided, single submitter. Criteria: GeneDx Variant Classification Process June 2021. Collection method: clinical testing. Allele origin: germline.
Comment: Not observed at significant frequency in large population cohorts (gnomAD); In silico analysis indicates that this missense variant does not alter protein structure/function; Has not been previously published as pathogenic or benign to our knowledge; This variant is associated with the following publications: (PMID: 21073748)

NM_006947.4(SRP72):c.1763G>C (p.Gly588Ala)

Gene: SRP72 (signal recognition particle 72; plus strand). Cytogenetic location: 4q12.
Variant type: single nucleotide variant.
Coding change: c.1763G>C on transcript NM_006947.4 (MANE Select); coding-DNA position 1763, G replaced by C.
Protein change: p.Gly588Ala; replaces glycine 588 with alanine.
Molecular consequence: missense variant. On other transcripts: non-coding transcript variant (1).
Genome position (GRCh38, 1-based): chr4:56,500,620, G>C. VCF-style: chr4-56500620-G-C. GRCh37 (hg19) VCF-style: chr4-57366786-G-C.
Other names: c.1580G>C, p.Gly527Ala (NM_001267722.2); short protein forms G527A, G588A.
Identifiers: ClinVar variation 3370180 (VCV003370180.3).